The following is an entry in ClinVar:

ClinVar aggregate classification (germline): Uncertain significance (1 of 4 stars; one submission).

Allele frequency attached by ClinVar (database versions not stated): gnomAD exomes below 0.00001.
gnomAD v4.1: 5 of 1,613,110 alleles (0.00031%); highest among the groups gnomAD compares: Non-Finnish European, 0.00042%; no homozygotes.

Submission:

Labcorp Genetics (formerly Invitae), Labcorp
Classification: Uncertain significance. Last evaluated: 2021-08-24. Review status: criteria provided, single submitter. Criteria: Invitae Variant Classification Sherloc (09022015). Collection method: clinical testing. Allele origin: germline.
Comment: This sequence change replaces proline with serine at codon 64 of the TBCE protein (p.Pro64Ser). The proline residue is highly conserved and there is a moderate physicochemical difference between proline and serine. This variant is not present in population databases (ExAC no frequency). This variant has not been reported in the literature in individuals affected with TBCE-related conditions. Algorithms developed to predict the effect of missense changes on protein structure and function (SIFT, PolyPhen-2, Align-GVGD) all suggest that this variant is likely to be disruptive. In summary, the available evidence is currently insufficient to determine the role of this variant in disease. Therefore, it has been classified as a Variant of Uncertain Significance.

NM_003193.5(TBCE):c.190C>T (p.Pro64Ser)

Gene: TBCE (tubulin folding cofactor E; plus strand). Cytogenetic location: 1q42.3.
Variant type: single nucleotide variant.
Coding change: c.190C>T on transcript NM_003193.5 (MANE Select); coding-DNA position 190, C replaced by T.
Protein change: p.Pro64Ser; replaces proline 64 with serine.
Molecular consequence: missense variant. On other transcripts: 5 prime UTR variant (1).
Genome position (GRCh38, 1-based): chr1:235,414,437, C>T. VCF-style: chr1-235414437-C-T. GRCh37 (hg19) VCF-style: chr1-235577752-C-T.
Other names: c.190C>T, p.Pro64Ser (NM_001079515.3, NM_001287801.2); c.-206C>T (NM_001287802.2); short protein forms P64S.
Identifiers: ClinVar variation 1016460 (VCV001016460.2), dbSNP rs1437328895, ClinGen allele CA344922773.